The following is an entry in ClinVar:

NM_001127208.3(TET2):c.3788G>A (p.Cys1263Tyr)

Genes: TET2 (tet methylcytosine dioxygenase 2; plus strand), TET2-AS1 (TET2 antisense RNA 1; minus strand). Cytogenetic location: 4q24.
Variant type: single nucleotide variant.
Coding change: c.3788G>A on transcript NM_001127208.3 (MANE Select); coding-DNA position 3788, G replaced by A.
Protein change: p.Cys1263Tyr; replaces cysteine 1263 with tyrosine.
Molecular consequence: missense variant.
Genome position (GRCh38, 1-based): chr4:105,243,763, G>A. VCF-style: chr4-105243763-G-A. GRCh37 (hg19) VCF-style: chr4-106164920-G-A.
Other names: short protein forms C1263Y.
Identifiers: ClinVar variation 1997336 (VCV001997336.5), dbSNP rs1360210418, ClinGen allele CA357805408.

ClinVar aggregate classification (germline): Uncertain significance. Review status: criteria provided, multiple submitters, no conflicts (2 of 4 stars). 2 submissions from 2 submitters: Uncertain significance (2). Last evaluated 2025-03-04.

Allele frequency attached by ClinVar (database versions not stated): gnomAD exomes below 0.00001.

Submissions (2):

Center for Genomic Medicine, Rigshospitalet, Copenhagen University Hospital
Classification: Uncertain significance. Last evaluated: 2025-03-04. Review status: criteria provided, single submitter. Criteria: ACMG Guidelines, 2015. Collection method: clinical testing. Allele origin: germline.

Labcorp Genetics (formerly Invitae), Labcorp
Classification: Uncertain significance. Last evaluated: 2022-05-21. Review status: criteria provided, single submitter. Criteria: Invitae Variant Classification Sherloc (09022015). Collection method: clinical testing. Allele origin: germline.
Comment: This sequence change replaces cysteine, which is neutral and slightly polar, with tyrosine, which is neutral and polar, at codon 1263 of the TET2 protein (p.Cys1263Tyr). This variant is present in population databases (no rsID available, gnomAD 0.01%). This variant has not been reported in the literature in individuals affected with TET2-related conditions. Algorithms developed to predict the effect of missense changes on protein structure and function are either unavailable or do not agree on the potential impact of this missense change (SIFT: "Deleterious"; PolyPhen-2: "Probably Damaging"; Align-GVGD: "Class C0"). Algorithms developed to predict the effect of sequence changes on RNA splicing suggest that this variant may create or strengthen a splice site. In summary, the available evidence is currently insufficient to determine the role of this variant in disease. Therefore, it has been classified as a Variant of Uncertain Significance.